The following is an entry in ClinVar:

ClinVar aggregate classification (germline): Likely pathogenic. Review status: criteria provided, multiple submitters, no conflicts (2 of 4 stars). 2 submissions from 2 submitters: Likely pathogenic (2). Last evaluated 2022-10-07.

Conditions:
Hereditary cancer-predisposing syndrome. Also called: Tumor predisposition; Neoplastic Syndromes, Hereditary; Hereditary Cancer Syndrome; Hereditary neoplastic syndrome. Identifiers: Orphanet 140162, MedGen C0027672, MeSH D009386, MONDO:0015356.
Tumor predisposition syndrome 3 (TPDS3). Also called: Melanoma, cutaneous malignant, susceptibility to, 10; LONG TELOMERE SYNDROME, POT1-RELATED; POT1 Tumor Predisposition; Glioma susceptibility 9. Identifiers: Orphanet 618, MedGen C4014476, MONDO:0014368, OMIM 615848.

Allele frequency attached by ClinVar (database versions not stated): gnomAD 0.00001.
gnomAD v4.1: 1 of 1,527,312 alleles (0.000065%); highest among the groups gnomAD compares: African/African-American, 0.0014%; no homozygotes.

Submissions (2):

Ambry Genetics
Classification: Likely pathogenic for Hereditary cancer-predisposing syndrome. Last evaluated: 2022-10-07. Review status: criteria provided, single submitter. Criteria: Ambry Variant Classification Scheme 2023. Collection method: clinical testing. Allele origin: germline.
Comment: The c.1506-1G>A intronic variant results from a G to A substitution one nucleotide before coding exon 12 of the POT1 gene. This nucleotide position is highly conserved in available vertebrate species. In silico splice site analysis predicts that this alteration will weaken the native splice acceptor site; however, direct evidence is insufficient at this time (Ambry internal data). Alterations that disrupt the canonical splice site are expected to cause aberrant splicing, resulting in an abnormal protein or a transcript that is subject to nonsense-mediated mRNA decay. As such, this alteration is classified as likely pathogenic.

Labcorp Genetics (formerly Invitae), Labcorp
Classification: Likely pathogenic for Tumor predisposition syndrome 3. Last evaluated: 2021-07-27. Review status: criteria provided, single submitter. Criteria: Invitae Variant Classification Sherloc (09022015). Collection method: clinical testing. Allele origin: germline.
Comment: Algorithms developed to predict the effect of sequence changes on RNA splicing suggest that this variant may disrupt the consensus splice site. This variant has not been reported in the literature in individuals affected with POT1-related conditions. This variant is not present in population databases (ExAC no frequency). This sequence change affects an acceptor splice site in intron 15 of the POT1 gene. It is expected to disrupt RNA splicing. Variants that disrupt the donor or acceptor splice site typically lead to a loss of protein function (PMID: 16199547), and loss-of-function variants in POT1 are known to be pathogenic (PMID: 32155570). In summary, the currently available evidence indicates that the variant is pathogenic, but additional data are needed to prove that conclusively. Therefore, this variant has been classified as Likely Pathogenic.

Literature cited by the submitters: PubMed 16199547 (cited by Labcorp Genetics (formerly Invitae), Labcorp); PubMed 32155570 (cited by Labcorp Genetics (formerly Invitae), Labcorp).

NM_015450.3(POT1):c.1506-1G>A

Gene: POT1 (protection of telomeres 1; minus strand). Cytogenetic location: 7q31.33.
Variant type: single nucleotide variant.
Coding change: c.1506-1G>A on transcript NM_015450.3 (MANE Select); the canonical splice acceptor site of the intron before coding-DNA position 1506, G replaced by A.
Molecular consequence: splice acceptor variant.
Genome position (GRCh38, 1-based): chr7:124,829,343, C>T on the plus strand (G>A on the coding strand, the complement: POT1 is on the minus strand). VCF-style: chr7-124829343-C-T. GRCh37 (hg19) VCF-style: chr7-124469397-C-T.
Other names: c.1113-1G>A (NM_001042594.2).
Identifiers: ClinVar variation 1498581 (VCV001498581.8), dbSNP rs1418539002, ClinGen allele CA369064723.